The following is an entry in ClinVar:

NM_000903.3(NQO1):c.750G>T (p.Lys250Asn)

Gene: NQO1 (NAD(P)H quinone dehydrogenase 1; minus strand). Cytogenetic location: 16q22.1.
Variant type: single nucleotide variant.
Coding change: c.750G>T on transcript NM_000903.3 (MANE Select); coding-DNA position 750, G replaced by T.
Protein change: p.Lys250Asn; replaces lysine 250 with asparagine.
Molecular consequence: missense variant.
Genome position (GRCh38, 1-based): chr16:69,711,051, C>A on the plus strand (G>T on the coding strand, the complement: NQO1 is on the minus strand). VCF-style: chr16-69711051-C-A. GRCh37 (hg19) VCF-style: chr16-69744954-C-A.
Other names: c.648G>T, p.Lys216Asn (NM_001025433.2); c.636G>T, p.Lys212Asn (NM_001025434.2); c.534G>T, p.Lys178Asn (NM_001286137.2); short protein forms K178N, K212N, K216N, K250N.
Identifiers: ClinVar variation 1759268 (VCV001759268.2), dbSNP rs2544317904, ClinGen allele CA396487447.
Genomic context (GRCh38, chr16:69,711,051, plus strand): 5'-GATCTGGTTGTCAGTTGGGATGGACTTGCCCAAGTGATGGCCCACAGAAAGGCCAAATTT[C>A]TTGTTTTTCTCCTCATCCTGTACCTCTTTTTTCATTAAGAATCCTGCCTGGAAGTTTAGG-3'
Protein context (NP_000894.1, residues 240-260): KKEVQDEEKN[Lys250Asn]KFGLSVGHHL

ClinVar aggregate classification (germline): Uncertain significance (1 of 4 stars; one submission).

gnomAD v4.1: 2 of 1,614,206 alleles (0.00012%); highest among the groups gnomAD compares: Non-Finnish European, 0.00017%; no homozygotes.

Submission:

Ambry Genetics
Classification: Uncertain significance. Last evaluated: 2021-07-11. Review status: criteria provided, single submitter. Criteria: Ambry Variant Classification Scheme 2023. Collection method: clinical testing. Allele origin: germline.
Comment: The p.K250N variant (also known as c.750G>T), located in coding exon 6 of the NQO1 gene, results from a G to T substitution at nucleotide position 750. The lysine at codon 250 is replaced by asparagine, an amino acid with similar properties. This amino acid position is conserved. In addition, this alteration is predicted to be tolerated by in silico analysis. Since supporting evidence is limited at this time, the clinical significance of this alteration remains unclear.